The following is an entry in ClinVar:

NM_001291303.3(FAT4):c.10392C>A (p.Ile3464=)

Gene: FAT4 (FAT atypical cadherin 4; plus strand). Cytogenetic location: 4q28.1.
Variant type: single nucleotide variant.
Coding change: c.10392C>A on transcript NM_001291303.3 (MANE Select); coding-DNA position 10392, C replaced by A.
Protein change: p.Ile3464=; no amino-acid change (isoleucine 3464 retained).
Molecular consequence: synonymous variant.
Genome position (GRCh38, 1-based): chr4:125,451,402, C>A. VCF-style: chr4-125451402-C-A. GRCh37 (hg19) VCF-style: chr4-126372557-C-A.
Other names: c.10392C>A, p.Ile3464= (NM_001291285.3); c.10386C>A, p.Ile3462= (NM_024582.6).
Identifiers: ClinVar variation 737184 (VCV000737184.38), dbSNP rs140494092, ClinGen allele CA3073683.

ClinVar aggregate classification (germline): Likely benign. Review status: criteria provided, multiple submitters, no conflicts (2 of 4 stars). 5 submissions from 5 submitters: Likely benign (4). 1 of the submissions does not count toward it. Last evaluated 2025-12-18.

Conditions:
FAT4-related disorder. Also called: FAT4-related condition.

Allele frequency attached by ClinVar (database versions not stated): ExAC 0.00021; gnomAD exomes 0.00023 and 0.00042; gnomAD 0.00029 and 0.00032; TOPMed 0.00032; ESP Exome Variant Server 0.00062.
gnomAD v4.1: 678 of 1,614,036 alleles (0.042%); highest among the groups gnomAD compares: Non-Finnish European, 0.053%; 1 homozygote.

Submissions (5):

Labcorp Genetics (formerly Invitae), Labcorp
Classification: Likely benign. Last evaluated: 2025-12-18. Review status: criteria provided, single submitter. Criteria: Invitae Variant Classification Sherloc (09022015). Collection method: clinical testing. Allele origin: germline.

Blueprint Genetics
Classification: Likely benign. Last evaluated: 2024-10-18. Review status: criteria provided, single submitter. Criteria: ACMG Guidelines, 2015. Collection method: clinical testing. Allele origin: germline.

CeGaT Center for Human Genetics Tuebingen
Classification: Likely benign. Last evaluated: 2024-08-01. Review status: criteria provided, single submitter. Criteria: CeGaT Center For Human Genetics Tuebingen Variant Classification Criteria Version 2. Collection method: clinical testing. Allele origin: germline. Affected: yes. Observed: 2 variant alleles.
Comment: FAT4: BP4, BP7

Breakthrough Genomics
Classification: Likely benign. Review status: criteria provided, single submitter. Criteria: ACMG Guidelines, 2015. Collection method: not provided. Allele origin: germline. Inheritance: Autosomal recessive inheritance. Affected: yes.

PreventionGenetics, part of Exact Sciences
Classification: Likely benign for FAT4-related condition. Last evaluated: 2021-12-07. Review status: no assertion criteria provided. Collection method: clinical testing. Allele origin: germline. Not counted in ClinVar's aggregate classification.
Comment: This variant is classified as likely benign based on ACMG/AMP sequence variant interpretation guidelines (Richards et al. 2015 PMID: 25741868, with internal and published modifications).